The following is an entry in ClinVar:

NM_000199.5(SGSH):c.532C>G (p.His178Asp)

Gene: SGSH (N-sulfoglucosamine sulfohydrolase; minus strand). Cytogenetic location: 17q25.3.
Variant type: single nucleotide variant.
Coding change: c.532C>G on transcript NM_000199.5 (MANE Select); coding-DNA position 532, C replaced by G.
Protein change: p.His178Asp; replaces histidine 178 with aspartic acid.
Molecular consequence: missense variant. On other transcripts: non-coding transcript variant (1).
Genome position (GRCh38, 1-based): chr17:80,214,303, G>C on the plus strand (C>G on the coding strand, the complement: SGSH is on the minus strand). VCF-style: chr17-80214303-G-C. GRCh37 (hg19) VCF-style: chr17-78188102-G-C.
Other names: c.532C>G, p.His178Asp (NM_001352921.3, NM_001352922.2); short protein forms H178D.
Identifiers: ClinVar variation 653324 (VCV000653324.4), dbSNP rs1598748596, ClinGen allele CA401362244.

ClinVar aggregate classification (germline): Uncertain significance. Review status: criteria provided, multiple submitters, no conflicts (2 of 4 stars). 2 submissions from 2 submitters: Uncertain significance (2). Last evaluated 2021-11-07.

Conditions:
Mucopolysaccharidosis, MPS-III-A (MPS3A). Also called: Mucopolysaccharidosis, type IIIA; MPS IIIA (Sanfilippo Syndrome Type A); MPS III A; SANFILIPPO SYNDROME A; SULFAMIDASE DEFICIENCY; Mucopolysaccharidosis type IIIA (Sanfilippo A). Identifiers: Orphanet 581, Orphanet 79269, MedGen C0086647, MONDO:0009655, OMIM 252900.

Submissions (2):

Genome-Nilou Lab
Classification: Uncertain significance for Mucopolysaccharidosis, MPS-III-A. Last evaluated: 2021-11-07. Review status: criteria provided, single submitter. Criteria: ACMG Guidelines, 2015. Collection method: clinical testing. Allele origin: germline. Affected: no.

Labcorp Genetics (formerly Invitae), Labcorp
Classification: Uncertain significance for Mucopolysaccharidosis, MPS-III-A. Last evaluated: 2019-03-20. Review status: criteria provided, single submitter. Criteria: Invitae Variant Classification Sherloc (09022015). Collection method: clinical testing. Allele origin: germline.
Comment: This sequence change replaces histidine with aspartic acid at codon 178 of the SGSH protein (p.His178Asp). The histidine residue is highly conserved and there is a moderate physicochemical difference between histidine and aspartic acid. This variant is not present in population databases (ExAC no frequency). In at least one individual the data is consistent with the variant being in trans (on the opposite chromosome) from a pathogenic variant. Algorithms developed to predict the effect of missense changes on protein structure and function are either unavailable or do not agree on the potential impact of this missense change (SIFT: "Deleterious"; PolyPhen-2: "Probably Damaging"; Align-GVGD: "Class C0"). In summary, the available evidence is currently insufficient to determine the role of this variant in disease. Therefore, it has been classified as a Variant of Uncertain Significance.